The following is an entry in ClinVar:

ClinVar aggregate classification (germline): Uncertain significance (1 of 4 stars; one submission).

Submission:

GeneDx
Classification: Uncertain significance. Last evaluated: 2023-12-13. Review status: criteria provided, single submitter. Criteria: GeneDx Variant Classification Process June 2021. Collection method: clinical testing. Allele origin: germline. Affected: yes.
Comment: Has not been previously published as pathogenic or benign to our knowledge; Not observed at significant frequency in large population cohorts (gnomAD); In silico analysis supports that this missense variant has a deleterious effect on protein structure/function

NM_006514.4(SCN10A):c.4129G>C (p.Val1377Leu)

Gene: SCN10A (sodium voltage-gated channel alpha subunit 10; minus strand). Cytogenetic location: 3p22.2.
Variant type: single nucleotide variant.
Coding change: c.4129G>C on transcript NM_006514.4 (MANE Select); coding-DNA position 4129, G replaced by C.
Protein change: p.Val1377Leu; replaces valine 1377 with leucine.
Molecular consequence: missense variant.
Genome position (GRCh38, 1-based): chr3:38,710,858, C>G on the plus strand (G>C on the coding strand, the complement: SCN10A is on the minus strand). VCF-style: chr3-38710858-C-G. GRCh37 (hg19) VCF-style: chr3-38752349-C-G.
Other names: c.4126G>C, p.Val1376Leu (NM_001293306.2); c.3835G>C, p.Val1279Leu (NM_001293307.2); short protein forms V1279L, V1376L, V1377L.
Identifiers: ClinVar variation 3365533 (VCV003365533.1).
Genomic context (GRCh38, chr3:38,710,858, plus strand): 5'-GAATGCACAGAGGGGAAGGCTGTAGGGACAGTGGGCTGAGACTCACCTCCCGGGAATCAA[C>G]AGCTGCATACATAATGTCCATCCAGCCTTTAAAGGTTGCCTGGAGACAAGGAGCAGAGGC-3'
Protein context (NP_006505.4, residues 1367-1387): KGWMDIMYAA[Val1377Leu]DSREVNMQPK